The following is an entry in ClinVar:

NM_145059.3(FCSK):c.1596G>C (p.Gln532His)

Gene: FCSK (fucose kinase; plus strand). Cytogenetic location: 16q22.1.
Variant type: single nucleotide variant.
Coding change: c.1596G>C on transcript NM_145059.3 (MANE Select); coding-DNA position 1596, G replaced by C.
Protein change: p.Gln532His; replaces glutamine 532 with histidine.
Molecular consequence: missense variant.
Genome position (GRCh38, 1-based): chr16:70,473,172, G>C. VCF-style: chr16-70473172-G-C. GRCh37 (hg19) VCF-style: chr16-70507075-G-C.
Other names: short protein forms Q532H.
Identifiers: ClinVar variation 3613768 (VCV003613768.2).

ClinVar aggregate classification (germline): Uncertain significance (1 of 4 stars; one submission).

gnomAD v4.1: 24 of 1,542,770 alleles (0.0016%); highest among the groups gnomAD compares: Non-Finnish European, 0.0021%; no homozygotes.

Submission:

Labcorp Genetics (formerly Invitae), Labcorp
Classification: Uncertain significance. Last evaluated: 2024-03-15. Review status: criteria provided, single submitter. Criteria: Invitae Variant Classification Sherloc (09022015). Collection method: clinical testing. Allele origin: germline.
Comment: This sequence change replaces glutamine, which is neutral and polar, with histidine, which is basic and polar, at codon 532 of the FUK protein (p.Gln532His). This variant is not present in population databases (gnomAD no frequency). This variant has not been reported in the literature in individuals affected with FUK-related conditions. An algorithm developed to predict the effect of missense changes on protein structure and function (PolyPhen-2) suggests that this variant is likely to be disruptive. In summary, the available evidence is currently insufficient to determine the role of this variant in disease. Therefore, it has been classified as a Variant of Uncertain Significance.